The following is an entry in ClinVar:

NM_000632.4(ITGAM):c.1496G>T (p.Gly499Val)

Gene: ITGAM (integrin subunit alpha M; plus strand). Cytogenetic location: 16p11.2.
Variant type: single nucleotide variant.
Coding change: c.1496G>T on transcript NM_000632.4 (MANE Select); coding-DNA position 1496, G replaced by T.
Protein change: p.Gly499Val; replaces glycine 499 with valine.
Molecular consequence: missense variant.
Genome position (GRCh38, 1-based): chr16:31,297,653, G>T. VCF-style: chr16-31297653-G-T. GRCh37 (hg19) VCF-style: chr16-31308974-G-T.
Other names: c.1496G>T, p.Gly499Val (NM_001145808.2); short protein forms G499V.
Identifiers: ClinVar variation 2803229 (VCV002803229.3), dbSNP rs2080149135, ClinGen allele CA395669813.

ClinVar aggregate classification (germline): Uncertain significance (1 of 4 stars; one submission).

gnomAD v4.1: 3 of 1,612,474 alleles (0.00019%); highest among the groups gnomAD compares: South Asian, 0.0011%; no homozygotes.

Submission:

Labcorp Genetics (formerly Invitae), Labcorp
Classification: Uncertain significance. Last evaluated: 2024-01-31. Review status: criteria provided, single submitter. Criteria: Invitae Variant Classification Sherloc (09022015). Collection method: clinical testing. Allele origin: germline.
Comment: This sequence change replaces glycine, which is neutral and non-polar, with valine, which is neutral and non-polar, at codon 499 of the ITGAM protein (p.Gly499Val). This variant is not present in population databases (gnomAD no frequency). This variant has not been reported in the literature in individuals affected with ITGAM-related conditions. An algorithm developed to predict the effect of missense changes on protein structure and function (PolyPhen-2) suggests that this variant is likely to be disruptive. In summary, the available evidence is currently insufficient to determine the role of this variant in disease. Therefore, it has been classified as a Variant of Uncertain Significance.